The following is an entry in ClinVar:

ClinVar aggregate classification (germline): Pathogenic (1 of 4 stars; one submission).

Conditions:
Dystonia 12 (DYT12). Also called: DYT-ATP1A3; Rapid-Onset Dystonia-Parkinsonism (RDP). Identifiers: Orphanet 71517, MedGen C1868681, MONDO:0007496, OMIM 128235.

Submission:

Labcorp Genetics (formerly Invitae), Labcorp
Classification: Pathogenic for Dystonia 12. Last evaluated: 2022-02-07. Review status: criteria provided, single submitter. Criteria: Invitae Variant Classification Sherloc (09022015). Collection method: clinical testing. Allele origin: germline.
Comment: This variant, c.2227_2229del, results in the deletion of 1 amino acid(s) of the ATP1A3 protein (p.Asp743del), but otherwise preserves the integrity of the reading frame. This variant is not present in population databases (gnomAD no frequency). This variant has been observed in individual(s) with alternating hemiplegia of childhood, dystonia, and/or epileptic encephalopathy (PMID: 29395663, 31737037; Invitae). In at least one individual the variant was observed to be de novo. This variant is also known as c.2266_2268delGAC, p.(D756del). Experimental studies and prediction algorithms are not available or were not evaluated, and the functional significance of this variant is currently unknown. For these reasons, this variant has been classified as Pathogenic.

Literature cited by the submitters: PubMed 29395663; PubMed 31737037.

NM_152296.5(ATP1A3):c.2224GAC[1] (p.Asp743del)

Gene: ATP1A3 (ATPase Na+/K+ transporting subunit alpha 3; minus strand). Cytogenetic location: 19q13.2.
Variant type: Microsatellite.
Coding change: c.2224GAC[1] on transcript NM_152296.5 (MANE Select); one copy of the 3-base unit GAC starting at c.2224; the reference has two copies in a row; one copy, 3 bases deleted.
Protein change: p.Asp743del; deletes aspartic acid 743.
Molecular consequence: inframe deletion.
Genome position (GRCh38, 1-based): chr19:41,975,663-41,975,665, GTC deleted on the plus strand (GAC on the coding strand, the reverse complement: ATP1A3 is on the minus strand); deleting any 3 consecutive bases within chr19:41,975,663-41,975,668 gives the same sequence; the position shown is the placement nearest the transcript's 3' end. VCF-style (leftmost placement, unchanged base first): chr19-41975662-TGTC-T. GRCh37 (hg19) VCF-style: chr19-42479814-TGTC-T.
Other names: c.2257GAC[1], p.Asp754del (NM_001256213.2); c.2263GAC[1], p.Asp756del (NM_001256214.2); short protein forms D743del, D754del, D756del.
Identifiers: ClinVar variation 2152317 (VCV002152317.4), dbSNP rs2514047021, ClinGen allele CA2580614908.